The following is an entry in ClinVar:

ClinVar aggregate classification (germline): Uncertain significance (1 of 4 stars; one submission).

gnomAD v4.1: 1 of 1,551,080 alleles (0.000064%); highest among the groups gnomAD compares: Non-Finnish European, 0.000087%; no homozygotes.

Submission:

GeneDx
Classification: Uncertain significance. Last evaluated: 2024-07-17. Review status: criteria provided, single submitter. Criteria: GeneDx Variant Classification Process June 2021. Collection method: clinical testing. Allele origin: germline. Affected: yes.
Comment: Not observed at significant frequency in large population cohorts (gnomAD); In silico analysis supports that this missense variant has a deleterious effect on protein structure/function; Has not been previously published as pathogenic or benign to our knowledge

NM_001303256.3(MORC2):c.16T>C (p.Tyr6His)

Gene: MORC2 (MORC family CW-type zinc finger 2; minus strand). Cytogenetic location: 22q12.2.
Variant type: single nucleotide variant.
Coding change: c.16T>C on transcript NM_001303256.3 (MANE Select); coding-DNA position 16, T replaced by C.
Protein change: p.Tyr6His; replaces tyrosine 6 with histidine.
Molecular consequence: missense variant. On other transcripts: 5 prime UTR variant (1).
Genome position (GRCh38, 1-based): chr22:30,967,874, A>G on the plus strand (T>C on the coding strand, the complement: MORC2 is on the minus strand). VCF-style: chr22-30967874-A-G. GRCh37 (hg19) VCF-style: chr22-31363860-A-G.
Other names: c.16T>C, p.Tyr6His (NM_001303257.2); c.-1037T>C (NM_014941.3); short protein forms Y6H.
Identifiers: ClinVar variation 3573867 (VCV003573867.1).